The following is an entry in ClinVar:

NM_001267550.2(TTN):c.91911_91913delinsAGTCATCT (p.Met30637fs)

Genes: TTN (titin; minus strand), TTN-AS1 (TTN antisense RNA 1; plus strand). Cytogenetic location: 2q31.2.
Variant type: Indel.
Coding change: c.91911_91913delinsAGTCATCT on transcript NM_001267550.2 (MANE Select); coding-DNA positions 91911 to 91913, GAC replaced by AGTCATCT.
Protein change: p.Met30637fs; shifts the reading frame from methionine 30637.
Molecular consequence: frameshift variant.
Genome position (GRCh38, 1-based): chr2:178,549,809-178,549,811, GTC replaced by AGATGACT on the plus strand (GAC replaced by AGTCATCT on the coding strand, the reverse complement: TTN is on the minus strand). VCF-style: chr2-178549809-GTC-AGATGACT. GRCh37 (hg19) VCF-style: chr2-179414536-GTC-AGATGACT.
Other names: c.86988_86990delinsAGTCATCT, p.Met28996fs (NM_001256850.1); c.64716_64718delinsAGTCATCT, p.Met21572fs (NM_003319.4); c.84207_84209delinsAGTCATCT, p.Met28069fs (NM_133378.4); c.65091_65093delinsAGTCATCT, p.Met21697fs (NM_133432.3); c.65292_65294delinsAGTCATCT, p.Met21764fs (NM_133437.4); c.64716_64718delGACinsAGTCATCT (NM_003319.4); short protein forms M21572fs, M21697fs, M21764fs, M28069fs, M28996fs, M30637fs.
Identifiers: ClinVar variation 3223330 (VCV003223330.1), dbSNP rs2469176505, ClinGen allele CA2825001015.

ClinVar aggregate classification (germline): Likely pathogenic (1 of 4 stars; one submission).

Conditions:
Cardiovascular phenotype. Identifiers: MedGen CN230736.

Submission:

Ambry Genetics
Classification: Likely pathogenic for Cardiovascular phenotype. Last evaluated: 2023-11-16. Review status: criteria provided, single submitter. Criteria: Ambry Variant Classification Scheme 2023. Collection method: clinical testing. Allele origin: germline.
Comment: The c.64716_64718delGACinsAGTCATCT variant, located in coding exon 165 of the TTN gene, results from the deletion of 3 nucleotides and insertion of 8 nucleotides causing a translational frameshift with a predicted alternate stop codon (p.M21572Ifs*18). This exon is located in the A-band region of the N2-B isoform of the titin protein and is constitutively expressed in TTN transcripts (percent spliced in or PSI 100%). This variant is considered to be rare based on population cohorts in the Genome Aggregation Database (gnomAD). This alteration is expected to result in loss of function by premature protein truncation or nonsense-mediated mRNA decay. While truncating variants in TTN are present in 1-3% of the general population, truncating variants in the A-band are the most common cause of dilated cardiomyopathy (DCM) (Herman DS et al. N. Engl. J. Med., 2012 Feb;366:619-28; Roberts AM et al. Sci Transl Med, 2015 Jan;7:270ra6). TTN truncating variants encoded in constitutive exons (PSI >90%) have been found to be significantly associated with DCM regardless of their position in titin (Schafer S et al. Nat. Genet., 2017 01;49:46-53). Based on the majority of available evidence to date, this variant is likely to be pathogenic.